The following is an entry in ClinVar:

ClinVar aggregate classification (germline): Pathogenic (1 of 4 stars; one submission).

Conditions:
Curry-Hall syndrome (WAD). Also called: WEYERS ACRODENTAL DYSOSTOSIS. Identifiers: Orphanet 952, MedGen C0457013, MONDO:0008673, OMIM 193530.
Ellis-van Creveld syndrome (EVC). Also called: EVC-Related Ellis-van Creveld Syndrome; EVC2-Related Ellis-van Creveld Syndrome; MESOECTODERMAL DYSPLASIA; Chondroectodermal dysplasia. Identifiers: Orphanet 289, MedGen C0013903, MONDO:0009162, OMIM 225500.

Submission:

Labcorp Genetics (formerly Invitae), Labcorp
Classification: Pathogenic for Curry-Hall syndrome; Ellis-van Creveld syndrome. Last evaluated: 2023-02-09. Review status: criteria provided, single submitter. Criteria: Invitae Variant Classification Sherloc (09022015). Collection method: clinical testing. Allele origin: germline.
Comment: For these reasons, this variant has been classified as Pathogenic. This variant has not been reported in the literature in individuals affected with EVC2-related conditions. This variant is not present in population databases (gnomAD no frequency). This sequence change creates a premature translational stop signal (p.Arg676Ilefs*14) in the EVC2 gene. It is expected to result in an absent or disrupted protein product. Loss-of-function variants in EVC2 are known to be pathogenic (PMID: 17024374, 19810119, 19876929).

Literature cited by the submitters: PubMed 17024374; PubMed 19810119; PubMed 19876929.

NM_147127.5(EVC2):c.2026_2027insTTCT (p.Arg676fs)

Gene: EVC2 (EvC ciliary complex subunit 2; minus strand). Cytogenetic location: 4p16.2.
Variant type: Insertion.
Coding change: c.2026_2027insTTCT on transcript NM_147127.5 (MANE Select); coding-DNA positions 2026 to 2027, TTCT inserted.
Protein change: p.Arg676fs; shifts the reading frame from arginine 676.
Molecular consequence: frameshift variant.
Genome position: GRCh38 VCF-style: chr4-5625768-C-CAGAA. GRCh37 (hg19) VCF-style: chr4-5627495-C-CAGAA.
Other names: c.1786_1787insTTCT, p.Arg596fs (NM_001166136.2); short protein forms R596fs, R676fs.
Identifiers: ClinVar variation 2944108 (VCV002944108.3), dbSNP rs2475385487, ClinGen allele CA2740091119.